The following is an entry in ClinVar:

NM_006521.6(TFE3):c.515T>G (p.Val172Gly)

Gene: TFE3 (transcription factor binding to IGHM enhancer 3; minus strand). Cytogenetic location: Xp11.23.
Variant type: single nucleotide variant.
Coding change: c.515T>G on transcript NM_006521.6 (MANE Select); coding-DNA position 515, T replaced by G.
Protein change: p.Val172Gly; replaces valine 172 with glycine.
Molecular consequence: missense variant.
Genome position (GRCh38, 1-based): chrX:49,039,126, A>C on the plus strand (T>G on the coding strand, the complement: TFE3 is on the minus strand). VCF-style: chrX-49039126-A-C. GRCh37 (hg19) VCF-style: chrX-48896651-A-C.
Other names: c.200T>G, p.Val67Gly (NM_001282142.2); short protein forms V172G, V67G.
Identifiers: ClinVar variation 3338565 (VCV003338565.1).

ClinVar aggregate classification (germline): Uncertain significance (1 of 4 stars; one submission).

Submission:

Greenwood Genetic Center Diagnostic Laboratories, Greenwood Genetic Center
Classification: Uncertain significance. Last evaluated: 2024-06-20. Review status: criteria provided, single submitter. Criteria: ACMG Guidelines, 2015. Collection method: clinical testing. Allele origin: germline. Affected: yes.
Comment: PM2